The following is an entry in ClinVar:

ClinVar aggregate classification (germline): Pathogenic (1 of 4 stars; one submission).

Allele frequency attached by ClinVar (database versions not stated): gnomAD exomes below 0.00001.

Submission:

Labcorp Genetics (formerly Invitae), Labcorp
Classification: Pathogenic. Last evaluated: 2022-12-08. Review status: criteria provided, single submitter. Criteria: Invitae Variant Classification Sherloc (09022015). Collection method: clinical testing. Allele origin: germline.
Comment: For these reasons, this variant has been classified as Pathogenic. ClinVar contains an entry for this variant (Variation ID: 631849). This variant has not been reported in the literature in individuals affected with CHRNG-related conditions. This variant is not present in population databases (gnomAD no frequency). This sequence change creates a premature translational stop signal (p.Tyr173*) in the CHRNG gene. It is expected to result in an absent or disrupted protein product. Loss-of-function variants in CHRNG are known to be pathogenic (PMID: 16826520).

Literature cited by the submitters: PubMed 16826520.

NM_005199.5(CHRNG):c.518dup (p.Tyr173Ter)

Gene: CHRNG (cholinergic receptor nicotinic gamma subunit; plus strand). Cytogenetic location: 2q37.1.
Variant type: Duplication.
Coding change: c.518dup on transcript NM_005199.5 (MANE Select); coding-DNA position 518, one base duplicated (A; older notation c.518dupA).
Protein change: p.Tyr173Ter; replaces tyrosine 173 with a stop codon.
Molecular consequence: nonsense.
Genome position (GRCh38, 1-based): chr2:232,542,434, A duplicated. VCF-style (leftmost placement, unchanged base first): chr2-232542433-T-TA. GRCh37 (hg19) VCF-style: chr2-233407143-T-TA.
Other names: short protein forms Y173*.
Identifiers: ClinVar variation 631849 (VCV000631849.7), dbSNP rs1559303793, ClinGen allele CA431810619.